The following is an entry in ClinVar:

ClinVar aggregate classification (germline): Uncertain significance (1 of 4 stars; one submission).

gnomAD v4.1: 25 of 1,613,094 alleles (0.0015%); highest among the groups gnomAD compares: Non-Finnish European, 0.0021%; no homozygotes.

Submission:

Labcorp Genetics (formerly Invitae), Labcorp
Classification: Uncertain significance. Last evaluated: 2024-03-13. Review status: criteria provided, single submitter. Criteria: Invitae Variant Classification Sherloc (09022015). Collection method: clinical testing. Allele origin: germline.
Comment: This sequence change replaces arginine, which is basic and polar, with leucine, which is neutral and non-polar, at codon 1190 of the LRP5 protein (p.Arg1190Leu). The frequency data for this variant in the population databases is considered unreliable, as metrics indicate poor data quality at this position in the gnomAD database. This variant has not been reported in the literature in individuals affected with LRP5-related conditions. Advanced modeling of protein sequence and biophysical properties (such as structural, functional, and spatial information, amino acid conservation, physicochemical variation, residue mobility, and thermodynamic stability) performed at Invitae indicates that this missense variant is not expected to disrupt LRP5 protein function with a negative predictive value of 95%. In summary, the available evidence is currently insufficient to determine the role of this variant in disease. Therefore, it has been classified as a Variant of Uncertain Significance.

NM_002335.4(LRP5):c.3569G>T (p.Arg1190Leu)

Gene: LRP5 (LDL receptor related protein 5; plus strand). Cytogenetic location: 11q13.2.
Variant type: single nucleotide variant.
Coding change: c.3569G>T on transcript NM_002335.4 (MANE Select); coding-DNA position 3569, G replaced by T.
Protein change: p.Arg1190Leu; replaces arginine 1190 with leucine.
Molecular consequence: missense variant.
Genome position (GRCh38, 1-based): chr11:68,426,119, G>T. VCF-style: chr11-68426119-G-T. GRCh37 (hg19) VCF-style: chr11-68193587-G-T.
Other names: c.1826G>T, p.Arg609Leu (NM_001291902.2); short protein forms R1190L, R609L.
Identifiers: ClinVar variation 3707631 (VCV003707631.2).